The following is an entry in ClinVar:

NM_003803.4(MYOM1):c.93G>A (p.Arg31=)

Gene: MYOM1 (myomesin 1; minus strand). Cytogenetic location: 18p11.31.
Variant type: single nucleotide variant.
Coding change: c.93G>A on transcript NM_003803.4 (MANE Select); coding-DNA position 93, G replaced by A.
Protein change: p.Arg31=; no amino-acid change (arginine 31 retained).
Molecular consequence: synonymous variant.
Genome position (GRCh38, 1-based): chr18:3,215,131, C>T on the plus strand (G>A on the coding strand, the complement: MYOM1 is on the minus strand). VCF-style: chr18-3215131-C-T. GRCh37 (hg19) VCF-style: chr18-3215129-C-T.
Other names: c.93G>A, p.Arg31= (NM_019856.2).
Identifiers: ClinVar variation 227708 (VCV000227708.13), dbSNP rs876657536, ClinGen allele CA10577060.

ClinVar aggregate classification (germline): Likely benign. Review status: criteria provided, multiple submitters, no conflicts (2 of 4 stars). 3 submissions from 3 submitters: Likely benign (3). Last evaluated 2026-05-28.

Conditions:
Hypertrophic cardiomyopathy. Also called: HYPERTROPHIC MYOCARDIOPATHY. Identifiers: Orphanet 217569, MedGen C0007194, MeSH D002312, MONDO:0005045, HP:0001639.

Allele frequency attached by ClinVar (database versions not stated): gnomAD exomes below 0.00001; gnomAD 0.00002; TOPMed below 0.00001.
gnomAD v4.1: 9 of 1,613,682 alleles (0.00056%); highest among the groups gnomAD compares: African/African-American, 0.008%; no homozygotes.

Submissions (3):

Ambry Genetics
Classification: Likely benign. Last evaluated: 2026-05-28. Review status: criteria provided, single submitter. Criteria: Ambry Variant Classification Scheme 2023. Collection method: clinical testing. Allele origin: germline.

Labcorp Genetics (formerly Invitae), Labcorp
Classification: Likely benign for Hypertrophic cardiomyopathy. Last evaluated: 2025-02-12. Review status: criteria provided, single submitter. Criteria: Invitae Variant Classification Sherloc (09022015). Collection method: clinical testing. Allele origin: germline.

Laboratory for Molecular Medicine, Mass General Brigham Personalized Medicine
Classification: Likely benign. Last evaluated: 2015-07-02. Review status: criteria provided, single submitter. Criteria: LMM Criteria. Collection method: clinical testing. Allele origin: germline. Observed: 1 variant allele.
Comment: p.Arg31Arg in exon 2 of MYOM1: This variant is not expected to have clinical sig nificance because it does not alter an amino acid residue and is not located wit hin the splice consensus sequence.